The following is an entry in ClinVar:

ClinVar aggregate classification (germline): Pathogenic (1 of 4 stars; one submission).

Conditions:
Familial isolated arrhythmogenic right ventricular dysplasia. Identifiers: Orphanet 217656, MedGen C4274968, MONDO:0016342.

Submission:

Women's Health and Genetics/Laboratory Corporation of America, LabCorp
Classification: Pathogenic for Familial isolated arrhythmogenic right ventricular dysplasia. Last evaluated: 2026-01-16. Review status: criteria provided, single submitter. Criteria: LabCorp Variant Classification Summary - May 2015. Collection method: clinical testing. Allele origin: germline.
Comment: Variant summary: PKP2 c.110delA (p.Lys37SerfsX2) results in a premature termination codon, predicted to cause absence of the protein due to nonsense mediated decay, which is a commonly known mechanism for disease. The variant was absent in 199474 control chromosomes. To our knowledge, no occurrence of c.110delA in individuals affected with PKP2-related conditions and no experimental evidence demonstrating its impact on protein function have been reported. No submitters have cited clinical-significance assessments for this variant to ClinVar. Based on the evidence outlined above, the variant was classified as pathogenic.

NM_001005242.3(PKP2):c.110del (p.Lys37fs)

Gene: PKP2 (plakophilin 2; minus strand). Cytogenetic location: 12p11.21.
Variant type: Deletion.
Coding change: c.110del on transcript NM_001005242.3 (MANE Select); coding-DNA position 110, one base deleted (A; older notation c.110delA).
Protein change: p.Lys37fs; shifts the reading frame from lysine 37.
Molecular consequence: frameshift variant. On other transcripts: 5 prime UTR variant (4).
Genome position (GRCh38, 1-based): chr12:32,896,622, T deleted on the plus strand (A on the coding strand, the reverse complement: PKP2 is on the minus strand); the first of 2 consecutive T bases (chr12:32,896,622-32,896,623); deleting either gives the same sequence. VCF-style (leftmost placement, unchanged base first): chr12-32896621-CT-C. GRCh37 (hg19) VCF-style: chr12-33049555-CT-C.
Other names: c.110del, p.Lys37fs (NM_001407155.1, NM_001407156.1, NM_001407157.1 and 2 more transcripts); c.-717del (NM_001407158.1, NM_001407162.1); c.-481del (NM_001407159.1, NM_001407160.1); c.110delA (NM_004572.4); short protein forms K37fs.
Identifiers: ClinVar variation 4689340 (VCV004689340.1).